The following is an entry in ClinVar:

NM_001144967.3(NEDD4L):c.49-6T>C

Gene: NEDD4L (NEDD4 like E3 ubiquitin protein ligase; plus strand). Cytogenetic location: 18q21.31.
Variant type: single nucleotide variant.
Coding change: c.49-6T>C on transcript NM_001144967.3 (MANE Select); 6 bases into the intron before coding-DNA position 49, T replaced by C.
Molecular consequence: intron variant.
Genome position (GRCh38, 1-based): chr18:58,165,782, T>C. VCF-style: chr18-58165782-T-C. GRCh37 (hg19) VCF-style: chr18-55833014-T-C.
Other names: c.49-6T>C (NM_015277.6, NM_001243960.2); c.-315-6T>C (NM_001144964.1, NM_001144965.2); c.-393-6T>C (NM_001144971.2); c.25-6T>C (NM_001144968.2, NM_001144969.2).
Identifiers: ClinVar variation 696492 (VCV000696492.17), dbSNP rs375043092, ClinGen allele CA8975111.

ClinVar aggregate classification (germline): Benign/Likely benign. Review status: criteria provided, multiple submitters, no conflicts (2 of 4 stars). 5 submissions from 5 submitters: Benign (2); Likely benign (2). 1 of the submissions does not count toward it. Last evaluated 2025-12-13.

Conditions:
NEDD4L-related disorder. Also called: NEDD4L-related condition.
Periventricular nodular heterotopia 7 (PVNH7). Identifiers: MedGen C4310669, MONDO:0014966, OMIM 617201.

Allele frequency attached by ClinVar (database versions not stated): gnomAD 0.00048 and 0.00052; TOPMed 0.00056; ESP Exome Variant Server 0.00059; gnomAD exomes 0.00005 and 0.00017; 1000 Genomes Project 30x 0.00016; 1000 Genomes Project 0.00020; ExAC 0.00021.
gnomAD v4.1: 150 of 1,608,872 alleles (0.0093%); highest among the groups gnomAD compares: African/African-American, 0.17%; 1 homozygote.

Submissions (5):

Labcorp Genetics (formerly Invitae), Labcorp
Classification: Benign. Last evaluated: 2025-12-13. Review status: criteria provided, single submitter. Criteria: Invitae Variant Classification Sherloc (09022015). Collection method: clinical testing. Allele origin: germline.

Blueprint Genetics
Classification: Likely benign. Last evaluated: 2024-10-08. Review status: criteria provided, single submitter. Criteria: ACMG Guidelines, 2015. Collection method: clinical testing. Allele origin: germline.

Fulgent Genetics
Classification: Likely benign for Periventricular nodular heterotopia 7. Last evaluated: 2021-12-02. Review status: criteria provided, single submitter. Criteria: ACMG Guidelines, 2015. Collection method: clinical testing. Allele origin: unknown.

GeneDx
Classification: Benign. Last evaluated: 2020-02-11. Review status: criteria provided, single submitter. Criteria: GeneDx Variant Classification Process June 2021. Collection method: clinical testing. Allele origin: germline. Affected: yes.

PreventionGenetics, part of Exact Sciences
Classification: Likely benign for NEDD4L-related condition. Last evaluated: 2020-12-04. Review status: no assertion criteria provided. Collection method: clinical testing. Allele origin: germline. Not counted in ClinVar's aggregate classification.
Comment: This variant is classified as likely benign based on ACMG/AMP sequence variant interpretation guidelines (Richards et al. 2015 PMID: 25741868, with internal and published modifications).